The following is an entry in ClinVar:

ClinVar aggregate classification (germline): Uncertain significance. Review status: criteria provided, multiple submitters, no conflicts (2 of 4 stars). 2 submissions from 2 submitters: Uncertain significance (2). Last evaluated 2026-01-16.

Conditions:
Cardiovascular phenotype. Identifiers: MedGen CN230736.
Dilated cardiomyopathy 1II (CMD1II). Identifiers: Orphanet 154, MedGen C3554649, MONDO:0014073, OMIM 615184.

gnomAD v4.1: 3 of 1,614,036 alleles (0.00019%); highest among the groups gnomAD compares: African/African-American, 0.004%; no homozygotes.

Submissions (2):

Labcorp Genetics (formerly Invitae), Labcorp
Classification: Uncertain significance for Dilated cardiomyopathy 1II. Last evaluated: 2026-01-16. Review status: criteria provided, single submitter. Criteria: Invitae Variant Classification Sherloc (09022015). Collection method: clinical testing. Allele origin: germline.
Comment: This sequence change replaces arginine, which is basic and polar, with serine, which is neutral and polar, at codon 69 of the CRYAB protein (p.Arg69Ser). This variant is present in population databases (rs139750142, gnomAD 0.007%). This variant has not been reported in the literature in individuals affected with CRYAB-related conditions. ClinVar contains an entry for this variant (Variation ID: 1025732). An algorithm developed to predict the effect of missense changes on protein structure and function (PolyPhen-2) suggests that this variant is likely to be disruptive. In summary, the available evidence is currently insufficient to determine the role of this variant in disease. Therefore, it has been classified as a Variant of Uncertain Significance.

Ambry Genetics
Classification: Uncertain significance for Cardiovascular phenotype. Last evaluated: 2023-12-19. Review status: criteria provided, single submitter. Criteria: Ambry Variant Classification Scheme 2023. Collection method: clinical testing. Allele origin: germline.
Comment: The p.R69S variant (also known as c.205C>A), located in coding exon 2 of the CRYAB gene, results from a C to A substitution at nucleotide position 205. The arginine at codon 69 is replaced by serine, an amino acid with dissimilar properties. This amino acid position is well conserved in available vertebrate species. In addition, the in silico prediction for this alteration is inconclusive. Since supporting evidence is limited at this time, the clinical significance of this alteration remains unclear.

NM_001289808.2(CRYAB):c.205C>A (p.Arg69Ser)

Gene: CRYAB (crystallin alpha B; minus strand). Cytogenetic location: 11q23.1.
Variant type: single nucleotide variant.
Coding change: c.205C>A on transcript NM_001289808.2 (MANE Select); coding-DNA position 205, C replaced by A.
Protein change: p.Arg69Ser; replaces arginine 69 with serine.
Molecular consequence: missense variant.
Genome position (GRCh38, 1-based): chr11:111,910,446, G>T on the plus strand (C>A on the coding strand, the complement: CRYAB is on the minus strand). VCF-style: chr11-111910446-G-T. GRCh37 (hg19) VCF-style: chr11-111781170-G-T.
Other names: c.205C>A, p.Arg69Ser (NM_001289807.1, NM_001368245.1, NM_001885.3); c.4C>A, p.Arg2Ser (NM_001330379.1, NM_001368246.1); c.205C>A (NM_001885.1); short protein forms R2S, R69S.
Identifiers: ClinVar variation 1025732 (VCV001025732.9), dbSNP rs139750142, ClinGen allele CA6275539.